The following is an entry in ClinVar:

ClinVar aggregate classification (germline): Benign. Review status: criteria provided, multiple submitters, no conflicts (2 of 4 stars). 6 submissions from 6 submitters: Benign (6). Last evaluated 2026-02-04.

Conditions:
Autosomal recessive spinocerebellar ataxia 10. Identifiers: Orphanet 284289, MedGen C3150998, MONDO:0013392, OMIM 613728.

Allele frequency attached by ClinVar (database versions not stated): gnomAD exomes 0.00224 and 0.00586; ExAC 0.00735; gnomAD 0.02179 and 0.02348; 1000 Genomes Project 0.02296; 1000 Genomes Project 30x 0.02545; ESP Exome Variant Server 0.02560; TOPMed 0.02574.
gnomAD v4.1: 6,735 of 1,613,744 alleles (0.42%); highest among the groups gnomAD compares: African/African-American, 7.7%; 224 homozygotes.

Submissions (6):

Labcorp Genetics (formerly Invitae), Labcorp
Classification: Benign. Last evaluated: 2026-02-04. Review status: criteria provided, single submitter. Criteria: Invitae Variant Classification Sherloc (09022015). Collection method: clinical testing. Allele origin: germline.

Athena Diagnostics
Classification: Benign. Last evaluated: 2024-01-02. Review status: criteria provided, single submitter. Criteria: Athena Diagnostics Criteria. Collection method: clinical testing. Allele origin: unknown.

Mayo Clinic Laboratories, Mayo Clinic
Classification: Benign. Last evaluated: 2023-01-23. Review status: criteria provided, single submitter. Criteria: ACMG Guidelines, 2015. Collection method: clinical testing. Allele origin: germline. Observed: 11 variant alleles.

GeneDx
Classification: Benign. Last evaluated: 2021-12-06. Review status: criteria provided, single submitter. Criteria: GeneDx Variant Classification Process June 2021. Collection method: clinical testing. Allele origin: germline. Affected: yes.

Illumina Laboratory Services, Illumina
Classification: Benign for Autosomal recessive spinocerebellar ataxia 10. Last evaluated: 2018-01-13. Review status: criteria provided, single submitter. Criteria: ICSL Variant Classification Criteria 13 December 2019. Collection method: clinical testing. Allele origin: germline.
Comment: This variant was observed in the ICSL laboratory as part of a predisposition screen in an ostensibly healthy population. It had not been previously curated by ICSL or reported in the Human Gene Mutation Database (HGMD: prior to June 1st, 2018), and was therefore a candidate for classification through an automated scoring system. Utilizing variant allele frequency, disease prevalence and penetrance estimates, and inheritance mode, an automated score was calculated to assess if this variant is too frequent to cause the disease. Based on the score and internal cut-off values, a variant classified as benign is not then subjected to further curation. The score for this variant resulted in a classification of benign for this disease.

Breakthrough Genomics
Classification: Benign. Review status: criteria provided, single submitter. Criteria: ACMG Guidelines, 2015. Collection method: not provided. Allele origin: germline. Inheritance: Autosomal recessive inheritance. Affected: yes.

NM_018075.5(ANO10):c.486C>T (p.Leu162=)

Gene: ANO10 (anoctamin 10; minus strand). Cytogenetic location: 3p22.1.
Variant type: single nucleotide variant.
Coding change: c.486C>T on transcript NM_018075.5 (MANE Select); coding-DNA position 486, C replaced by T.
Protein change: p.Leu162=; no amino-acid change (leucine 162 retained).
Molecular consequence: synonymous variant.
Genome position (GRCh38, 1-based): chr3:43,580,459, G>A on the plus strand (C>T on the coding strand, the complement: ANO10 is on the minus strand). VCF-style: chr3-43580459-G-A. GRCh37 (hg19) VCF-style: chr3-43621951-G-A.
Other names: p.Leu162=; c.486C>T, p.Leu162= (NM_001204831.3, NM_001204834.3, NM_001346463.2 and 4 more transcripts); c.288C>T, p.Leu96= (NM_001204832.3, NM_001346466.2, NM_001346469.2); c.153C>T, p.Leu51= (NM_001204833.3).
Identifiers: ClinVar variation 345194 (VCV000345194.17), dbSNP rs34829628, ClinGen allele CA2341035.